The following is an entry in ClinVar:

ClinVar aggregate classification (germline): Uncertain significance (1 of 4 stars; one submission).

Allele frequency attached by ClinVar (database versions not stated): gnomAD exomes below 0.00001 and 0.00001; ExAC 0.00003; ESP Exome Variant Server 0.00008; TOPMed 0.00008; gnomAD 0.00011; 1000 Genomes Project 30x 0.00016; 1000 Genomes Project 0.00020.
gnomAD v4.1: 22 of 1,605,432 alleles (0.0014%); highest among the groups gnomAD compares: African/African-American, 0.028%; no homozygotes.

Submission:

Labcorp Genetics (formerly Invitae), Labcorp
Classification: Uncertain significance. Last evaluated: 2025-11-04. Review status: criteria provided, single submitter. Criteria: Invitae Variant Classification Sherloc (09022015). Collection method: clinical testing. Allele origin: germline.
Comment: This sequence change replaces serine, which is neutral and polar, with cysteine, which is neutral and slightly polar, at codon 780 of the FGFR3 protein (p.Ser780Cys). The frequency data for this variant in the population databases is considered unreliable, as metrics indicate poor data quality at this position in the gnomAD database. This variant has not been reported in the literature in individuals affected with FGFR3-related conditions. ClinVar contains an entry for this variant (Variation ID: 1680141). Invitae Evidence Modeling of protein sequence and biophysical properties (such as structural, functional, and spatial information, amino acid conservation, physicochemical variation, residue mobility, and thermodynamic stability) has been performed for this missense variant. However, the output from this modeling did not meet the statistical confidence thresholds required to predict the impact of this variant on FGFR3 protein function. In summary, the available evidence is currently insufficient to determine the role of this variant in disease. Therefore, it has been classified as a Variant of Uncertain Significance.

NM_000142.5(FGFR3):c.2339C>G (p.Ser780Cys)

Gene: FGFR3 (fibroblast growth factor receptor 3; plus strand). Cytogenetic location: 4p16.3.
Variant type: single nucleotide variant.
Coding change: c.2339C>G on transcript NM_000142.5 (MANE Select); coding-DNA position 2339, C replaced by G.
Protein change: p.Ser780Cys; replaces serine 780 with cysteine.
Molecular consequence: missense variant. On other transcripts: synonymous variant (1), non-coding transcript variant (1).
Genome position (GRCh38, 1-based): chr4:1,807,180, C>G. VCF-style: chr4-1807180-C-G. GRCh37 (hg19) VCF-style: chr4-1808907-C-G.
Other names: c.2345C>G, p.Ser782Cys (NM_001163213.2); c.2342C>G, p.Ser781Cys (NM_001354809.2); c.2271C>G, p.Leu757= (NM_001354810.2); c.2003C>G, p.Ser668Cys (NM_022965.4); short protein forms S668C, S780C, S781C, S782C.
Identifiers: ClinVar variation 1680141 (VCV001680141.8), dbSNP rs140616343, ClinGen allele CA2810845.